The following is an entry in ClinVar:

NM_000092.5(COL4A4):c.26T>A (p.Met9Lys)

Gene: COL4A4 (collagen type IV alpha 4 chain; minus strand). Cytogenetic location: 2q36.3.
Variant type: single nucleotide variant.
Coding change: c.26T>A on transcript NM_000092.5 (MANE Select); coding-DNA position 26, T replaced by A.
Protein change: p.Met9Lys; replaces methionine 9 with lysine.
Molecular consequence: missense variant.
Genome position (GRCh38, 1-based): chr2:227,147,458, A>T on the plus strand (T>A on the coding strand, the complement: COL4A4 is on the minus strand). VCF-style: chr2-227147458-A-T. GRCh37 (hg19) VCF-style: chr2-228012174-A-T.
Other names: short protein forms M9K.
Identifiers: ClinVar variation 1437089 (VCV001437089.6), dbSNP rs1440047357, ClinGen allele CA350842844.

ClinVar aggregate classification (germline): Uncertain significance. Review status: criteria provided, multiple submitters, no conflicts (2 of 4 stars). 2 submissions from 2 submitters: Uncertain significance (2). Last evaluated 2022-02-16.

Conditions:
Autosomal recessive Alport syndrome (ATS2). Also called: Alport syndrome type 2; COL4A3-Related Nephropathy; ALPORT SYNDROME 2, AUTOSOMAL RECESSIVE; COL4A4 Alport Syndrome and Thin Basement Membrane Nephropathy. Identifiers: Orphanet 63, Orphanet 88919, MedGen C4746745, MONDO:0008762, OMIM 203780.
Benign familial hematuria. Also called: thin basement membrane disease. Identifiers: MedGen C0241908, MONDO:0957317.

Allele frequency attached by ClinVar (database versions not stated): gnomAD 0.00001; TOPMed 0.00001.
gnomAD v4.1: 1 of 1,613,774 alleles (0.000062%); highest among the groups gnomAD compares: Admixed American, 0.0017%; no homozygotes.

Submissions (2):

Fulgent Genetics
Classification: Uncertain significance for Hematuria, benign familial, 1; Autosomal recessive Alport syndrome. Last evaluated: 2022-02-16. Review status: criteria provided, single submitter. Criteria: ACMG Guidelines, 2015. Collection method: clinical testing. Allele origin: unknown.

Labcorp Genetics (formerly Invitae), Labcorp
Classification: Uncertain significance. Last evaluated: 2021-12-23. Review status: criteria provided, single submitter. Criteria: Invitae Variant Classification Sherloc (09022015). Collection method: clinical testing. Allele origin: germline.
Comment: This sequence change replaces methionine, which is neutral and non-polar, with lysine, which is basic and polar, at codon 9 of the COL4A4 protein (p.Met9Lys). This variant is not present in population databases (gnomAD no frequency). This variant has not been reported in the literature in individuals affected with COL4A4-related conditions. Advanced modeling of protein sequence and biophysical properties (such as structural, functional, and spatial information, amino acid conservation, physicochemical variation, residue mobility, and thermodynamic stability) performed at Invitae indicates that this missense variant is not expected to disrupt COL4A4 protein function. In summary, the available evidence is currently insufficient to determine the role of this variant in disease. Therefore, it has been classified as a Variant of Uncertain Significance.